The following is an entry in ClinVar:

ClinVar aggregate classification (germline): Uncertain significance (1 of 4 stars; one submission).

gnomAD v4.1: 1 of 1,610,960 alleles (0.000062%); highest among the groups gnomAD compares: Non-Finnish European, 0.000085%; no homozygotes.

Submission:

Labcorp Genetics (formerly Invitae), Labcorp
Classification: Uncertain significance. Last evaluated: 2024-10-07. Review status: criteria provided, single submitter. Criteria: Invitae Variant Classification Sherloc (09022015). Collection method: clinical testing. Allele origin: germline.
Comment: This sequence change replaces serine, which is neutral and polar, with phenylalanine, which is neutral and non-polar, at codon 220 of the TRIM37 protein (p.Ser220Phe). This variant is not present in population databases (gnomAD no frequency). This variant has not been reported in the literature in individuals affected with TRIM37-related conditions. ClinVar contains an entry for this variant (Variation ID: 2011029). Invitae Evidence Modeling of protein sequence and biophysical properties (such as structural, functional, and spatial information, amino acid conservation, physicochemical variation, residue mobility, and thermodynamic stability) indicates that this missense variant is expected to disrupt TRIM37 protein function with a positive predictive value of 80%. In summary, the available evidence is currently insufficient to determine the role of this variant in disease. Therefore, it has been classified as a Variant of Uncertain Significance.

NM_015294.6(TRIM37):c.659C>T (p.Ser220Phe)

Gene: TRIM37 (tripartite motif containing 37; minus strand). Cytogenetic location: 17q22.
Variant type: single nucleotide variant.
Coding change: c.659C>T on transcript NM_015294.6 (MANE Select); coding-DNA position 659, C replaced by T.
Protein change: p.Ser220Phe; replaces serine 220 with phenylalanine.
Molecular consequence: missense variant. On other transcripts: 5 prime UTR variant (1), non-coding transcript variant (2).
Genome position (GRCh38, 1-based): chr17:59,075,672, G>A on the plus strand (C>T on the coding strand, the complement: TRIM37 is on the minus strand). VCF-style: chr17-59075672-G-A. GRCh37 (hg19) VCF-style: chr17-57153033-G-A.
Other names: c.659C>T, p.Ser220Phe (NM_001005207.5, NM_001320988.3, NM_001320989.3 and 2 more transcripts); c.557C>T, p.Ser186Phe (NM_001320987.3, NM_001353082.2); c.293C>T, p.Ser98Phe (NM_001320990.3); c.-94C>T (NM_001353083.2); c.197C>T, p.Ser66Phe (NM_001353085.2); short protein forms S220F, S98F, S66F, S186F.
Identifiers: ClinVar variation 2011029 (VCV002011029.4), dbSNP rs771779792, ClinGen allele CA400408842.